The following is an entry in ClinVar:

ClinVar aggregate classification (germline): Uncertain significance. Review status: criteria provided, multiple submitters, no conflicts (2 of 4 stars). 4 submissions from 4 submitters: Uncertain significance (4). Last evaluated 2024-10-24.

Conditions:
Developmental and epileptic encephalopathy 94 (DEE94). Also called: Epileptic encephalopathy, childhood-onset; CHD2-Related Neurodevelopmental Disorders. Identifiers: Orphanet 1942, Orphanet 2382, MedGen C3809278, MONDO:0014150, OMIM 615369.

Allele frequency attached by ClinVar (database versions not stated): ExAC 0.00001; gnomAD 0.00001; gnomAD exomes 0.00001; TOPMed 0.00002; ESP Exome Variant Server 0.00008.
gnomAD v4.1: 9 of 1,610,758 alleles (0.00056%); highest among the groups gnomAD compares: Non-Finnish European, 0.00076%; no homozygotes.

Submissions (4):

Labcorp Genetics (formerly Invitae), Labcorp
Classification: Uncertain significance for Developmental and epileptic encephalopathy 94. Last evaluated: 2024-10-24. Review status: criteria provided, single submitter. Criteria: Invitae Variant Classification Sherloc (09022015). Collection method: clinical testing. Allele origin: germline.
Comment: This sequence change replaces alanine, which is neutral and non-polar, with threonine, which is neutral and polar, at codon 276 of the CHD2 protein (p.Ala276Thr). This variant also falls at the last nucleotide of exon 8, which is part of the consensus splice site for this exon. This variant is present in population databases (rs375521197, gnomAD 0.0009%). This variant has not been reported in the literature in individuals affected with CHD2-related conditions. ClinVar contains an entry for this variant (Variation ID: 943408). An algorithm developed to predict the effect of missense changes on protein structure and function (PolyPhen-2) suggests that this variant is likely to be disruptive. Variants that disrupt the consensus splice site are a relatively common cause of aberrant splicing (PMID: 17576681, 9536098). Algorithms developed to predict the effect of sequence changes on RNA splicing suggest that this variant may create or strengthen a splice site. In summary, the available evidence is currently insufficient to determine the role of this variant in disease. Therefore, it has been classified as a Variant of Uncertain Significance.

Fulgent Genetics
Classification: Uncertain significance for Developmental and epileptic encephalopathy 94. Last evaluated: 2024-02-14. Review status: criteria provided, single submitter. Criteria: ACMG Guidelines, 2015. Collection method: clinical testing. Allele origin: germline.

Victorian Clinical Genetics Services, Murdoch Childrens Research Institute
Classification: Uncertain significance for Developmental and epileptic encephalopathy 94. Last evaluated: 2023-07-17. Review status: criteria provided, single submitter. Criteria: ACMG Guidelines, 2015. Collection method: clinical testing. Allele origin: germline. Inheritance: Autosomal dominant inheritance. Affected: yes.
Comment: Based on the classification scheme VCGS_Germline_v1.3.4, this variant is classified as VUS-3B. Following criteria are met: 0102 - Loss of function is a known mechanism of disease in this gene and is associated with developmental and epileptic encephalopathy 94 (MIM#615369). (I) 0107 - This gene is associated with autosomal dominant disease. (I) 0112 - Incomplete penetrance is not well established for the condition associated with this gene; however, there have been several reports of variants inherited from a presumably unaffected parent or parents with milder phenotypes (PMIDs: 35627293, 31677157, 29740950). (I) 0200 - Variant is predicted to result in a missense amino acid change from alanine to threonine. However, this variant is located at the last nucleotide before the intron-exon junction, and therefore may have an impact on splicing. (I) 0251 - This variant is heterozygous. (I) 0302 - Variant is present in gnomAD (v3) <0.001 for a dominant condition (1 heterozygote, 0 homozygotes). (SP) 0502 - Missense variant with conflicting in silico predictions and uninformative conservation. (I) 0600 - Variant is located in the annotated Chromo (CHRromatin Organisation MOdifier) domain (DECIPHER). (I) 0710 - Another missense variant comparable to the one identified in this case has inconclusive previous evidence for pathogenicity. This alternative change (p.(Ala276Val)) has been reported as a VUS (ClinVar). (I) 0809 - Previous evidence of pathogenicity for this variant is inconclusive. This variant has been reported as a VUS, and observed in at least three individuals with seizures, infantile spasms or epilepsy. One of these individuals inherited the variant from their unaffected mother, and two individuals had additional VUSs in other genes (ClinVar, personal communication). (I) 0905 - No published segregation evidence has been identified for this variant. (I) 1007 - No published functional evidence has been identified for this variant. (I) Legend: (SP) - Supporting pathogenic, (I) - Information, (SB) - Supporting benign

Mendelics
Classification: Uncertain significance. Last evaluated: 2022-05-04. Review status: criteria provided, single submitter. Criteria: Mendelics Assertion Criteria 2019. Collection method: clinical testing. Allele origin: germline.

Literature cited by the submitters: PubMed 17576681 (cited by Labcorp Genetics (formerly Invitae), Labcorp); PubMed 9536098 (cited by Labcorp Genetics (formerly Invitae), Labcorp); PubMed 29740950 (cited by Victorian Clinical Genetics Services, Murdoch Childrens Research Institute); PubMed 31677157 (cited by Victorian Clinical Genetics Services, Murdoch Childrens Research Institute); PubMed 35627293 (cited by Victorian Clinical Genetics Services, Murdoch Childrens Research Institute).

NM_001271.4(CHD2):c.826G>A (p.Ala276Thr)

Gene: CHD2 (chromodomain helicase DNA binding protein 2; plus strand). Cytogenetic location: 15q26.1.
Variant type: single nucleotide variant.
Coding change: c.826G>A on transcript NM_001271.4 (MANE Select); coding-DNA position 826, G replaced by A.
Protein change: p.Ala276Thr; replaces alanine 276 with threonine.
Molecular consequence: missense variant.
Genome position (GRCh38, 1-based): chr15:92,941,955, G>A. VCF-style: chr15-92941955-G-A. GRCh37 (hg19) VCF-style: chr15-93485185-G-A.
Other names: c.826G>A, p.Ala276Thr (NM_001042572.3); short protein forms A276T.
Identifiers: ClinVar variation 943408 (VCV000943408.17), dbSNP rs375521197, ClinGen allele CA7747624.